The following is an entry in ClinVar:

NM_000264.5(PTCH1):c.3578T>A (p.Leu1193Gln)

Gene: PTCH1 (patched 1; minus strand). Cytogenetic location: 9q22.32.
Variant type: single nucleotide variant.
Coding change: c.3578T>A on transcript NM_000264.5 (MANE Select); coding-DNA position 3578, T replaced by A.
Protein change: p.Leu1193Gln; replaces leucine 1193 with glutamine.
Molecular consequence: missense variant. On other transcripts: non-coding transcript variant (1).
Genome position (GRCh38, 1-based): chr9:95,449,295, A>T on the plus strand (T>A on the coding strand, the complement: PTCH1 is on the minus strand). VCF-style: chr9-95449295-A-T. GRCh37 (hg19) VCF-style: chr9-98211577-A-T.
Other names: c.3380T>A, p.Leu1127Gln (NM_001083602.3); c.3575T>A, p.Leu1192Gln (NM_001083603.3); c.3125T>A, p.Leu1042Gln (NM_001083604.3, NM_001083605.3, NM_001083606.3 and 1 more transcripts); c.3422T>A, p.Leu1141Gln (NM_001354918.2); short protein forms L1141Q, L1192Q, L1042Q, L1127Q, L1193Q.
Identifiers: ClinVar variation 1732846 (VCV001732846.3), dbSNP rs1588517866, ClinGen allele CA374111364.

ClinVar aggregate classification (germline): Uncertain significance (1 of 4 stars; one submission).

Conditions:
Hereditary cancer-predisposing syndrome. Also called: Hereditary Cancer Syndrome; Hereditary neoplastic syndrome; Neoplastic Syndromes, Hereditary; Tumor predisposition. Identifiers: Orphanet 140162, MedGen C0027672, MeSH D009386, MONDO:0015356.

Submission:

Ambry Genetics
Classification: Uncertain significance for Hereditary cancer-predisposing syndrome. Last evaluated: 2026-08-21. Review status: criteria provided, single submitter. Criteria: Ambry Variant Classification Scheme 2023. Collection method: clinical testing. Allele origin: germline.
Comment: The p.L1193Q variant (also known as c.3578T>A), located in coding exon 22 of the PTCH1 gene, results from a T to A substitution at nucleotide position 3578. The leucine at codon 1193 is replaced by glutamine, an amino acid with dissimilar properties. This amino acid position is highly conserved in available vertebrate species. In addition, this alteration is predicted to be deleterious by in silico analysis. Based on the available evidence, the clinical significance of this variant remains unclear.